The following is an entry in ClinVar:

NM_000503.6(EYA1):c.34C>T (p.Arg12Cys)

Gene: EYA1 (EYA transcriptional coactivator and phosphatase 1; minus strand). Cytogenetic location: 8q13.3.
Variant type: single nucleotide variant.
Coding change: c.34C>T on transcript NM_000503.6 (MANE Select); coding-DNA position 34, C replaced by T.
Protein change: p.Arg12Cys; replaces arginine 12 with cysteine.
Molecular consequence: missense variant. On other transcripts: 5 prime UTR variant (1).
Genome position (GRCh38, 1-based): chr8:71,354,872, G>A on the plus strand (C>T on the coding strand, the complement: EYA1 is on the minus strand). VCF-style: chr8-71354872-G-A. GRCh37 (hg19) VCF-style: chr8-72267107-G-A.
Other names: c.34C>T, p.Arg12Cys (NM_001288574.2, NM_001370334.1, NM_001370335.1 and 1 more transcripts); c.-251C>T (NM_001288575.2); c.121C>T, p.Arg41Cys (NM_001370333.1, NM_001370336.1, NM_172059.5); short protein forms R41C, R12C.
Identifiers: ClinVar variation 1420334 (VCV001420334.11), dbSNP rs530921368, ClinGen allele CA179474515.

ClinVar aggregate classification (germline): Conflicting classifications of pathogenicity. Review status: criteria provided, conflicting classifications (1 of 4 stars). 4 submissions from 4 submitters: Uncertain significance (3); Likely benign (1). Last evaluated 2024-07-14.

Conditions:
Inborn genetic diseases. Identifiers: MedGen C0950123, MeSH D030342.
Branchiootic syndrome 1 (BOS1). Also called: BO SYNDROME 1; BRANCHIOOTIC DYSPLASIA. Identifiers: MedGen C1865143, MONDO:0011258, OMIM 602588.
Branchiootorenal syndrome 1. Also called: Branchio-Oto-Renal Syndrome 1. Identifiers: Orphanet 107, MedGen C4551702, MONDO:0007236, OMIM 113650.
Otofaciocervical syndrome 1 (OTFCS). Identifiers: MedGen C3714941, MONDO:0024532, OMIM 166780.
Melnick-Fraser syndrome (BOR). Also called: Branchiootorenal syndrome; Branchiootorenal Syndrome (BORS); Branchio-oto-renal syndrome. Identifiers: Orphanet 107, MedGen C0265234, MONDO:0007029.

Allele frequency attached by ClinVar (database versions not stated): gnomAD exomes 0.00001 and 0.00002; gnomAD 0.00002 and 0.00003; TOPMed 0.00010.
gnomAD v4.1: 38 of 1,613,516 alleles (0.0024%); highest among the groups gnomAD compares: Admixed American, 0.0067%; no homozygotes.

Submissions (4):

Ambry Genetics
Classification: Uncertain significance for Inborn genetic diseases. Last evaluated: 2024-07-14. Review status: criteria provided, single submitter. Criteria: Ambry Variant Classification Scheme 2023. Collection method: clinical testing. Allele origin: germline.

Labcorp Genetics (formerly Invitae), Labcorp
Classification: Likely benign for Melnick-Fraser syndrome. Last evaluated: 2024-05-20. Review status: criteria provided, single submitter. Criteria: Invitae Variant Classification Sherloc (09022015). Collection method: clinical testing. Allele origin: germline.

Fulgent Genetics
Classification: Uncertain significance for Branchiootorenal syndrome 1; Otofaciocervical syndrome 1; Branchiootic syndrome 1. Last evaluated: 2024-02-12. Review status: criteria provided, single submitter. Criteria: ACMG Guidelines, 2015. Collection method: clinical testing. Allele origin: germline.

GeneDx
Classification: Uncertain significance. Last evaluated: 2022-12-07. Review status: criteria provided, single submitter. Criteria: GeneDx Variant Classification Process June 2021. Collection method: clinical testing. Allele origin: germline. Affected: yes.
Comment: Not observed at a significant frequency in large population cohorts (gnomAD); In silico analysis supports that this missense variant does not alter protein structure/function; Has not been previously published as pathogenic or benign to our knowledge